The following is an entry in ClinVar:

ClinVar aggregate classification (germline): Conflicting classifications of pathogenicity. Review status: criteria provided, conflicting classifications (1 of 4 stars). 2 submissions from 2 submitters: Uncertain significance (1); Likely benign (1). Last evaluated 2021-12-27.

Conditions:
BAP1-related tumor predisposition syndrome (TPDS1). Also called: Tumor susceptibility linked to germline BAP1 mutations; BAP1 tumor predisposition syndrome; COMMON Syndrome; TUMOR PREDISPOSITION SYNDROME 1. Identifiers: Orphanet 289539, MedGen C3280492, MONDO:0013692, OMIM 614327.
Hereditary cancer-predisposing syndrome. Also called: Hereditary Cancer Syndrome; Neoplastic Syndromes, Hereditary; Tumor predisposition; Hereditary neoplastic syndrome. Identifiers: Orphanet 140162, MedGen C0027672, MeSH D009386, MONDO:0015356.

Allele frequency attached by ClinVar (database versions not stated): gnomAD exomes below 0.00001 and 0.00001.
gnomAD v4.1: 2 of 1,554,876 alleles (0.00013%); highest among the groups gnomAD compares: South Asian, 0.0012%; no homozygotes.

Submissions (2):

Labcorp Genetics (formerly Invitae), Labcorp
Classification: Uncertain significance for BAP1-related tumor predisposition syndrome. Last evaluated: 2021-12-27. Review status: criteria provided, single submitter. Criteria: Invitae Variant Classification Sherloc (09022015). Collection method: clinical testing. Allele origin: germline.
Comment: This sequence change falls in intron 8 of the BAP1 gene. It does not directly change the encoded amino acid sequence of the BAP1 protein. It affects a nucleotide within the consensus splice site. The frequency data for this variant in the population databases is considered unreliable, as metrics indicate poor data quality at this position in the gnomAD database. This variant has not been reported in the literature in individuals affected with BAP1-related conditions. ClinVar contains an entry for this variant (Variation ID: 490876). Variants that disrupt the consensus splice site are a relatively common cause of aberrant splicing (PMID: 17576681, 9536098). Algorithms developed to predict the effect of sequence changes on RNA splicing suggest that this variant is not likely to affect RNA splicing. In summary, the available evidence is currently insufficient to determine the role of this variant in disease. Therefore, it has been classified as a Variant of Uncertain Significance.

Color Diagnostics, LLC DBA Color Health
Classification: Likely benign for Hereditary cancer-predisposing syndrome. Last evaluated: 2017-11-07. Review status: criteria provided, single submitter. Criteria: ACMG Guidelines, 2015. Collection method: clinical testing. Allele origin: germline.

Literature cited by the submitters: PubMed 17576681 (cited by Labcorp Genetics (formerly Invitae), Labcorp); PubMed 9536098 (cited by Labcorp Genetics (formerly Invitae), Labcorp).

NM_004656.4(BAP1):c.659+6G>A

Gene: BAP1 (BRCA1 associated deubiquitinase 1; minus strand). Cytogenetic location: 3p21.1.
Variant type: single nucleotide variant.
Coding change: c.659+6G>A on transcript NM_004656.4 (MANE Select); 6 bases into the intron after coding-DNA position 659, G replaced by A.
Molecular consequence: intron variant.
Genome position (GRCh38, 1-based): chr3:52,406,823, C>T on the plus strand (G>A on the coding strand, the complement: BAP1 is on the minus strand). VCF-style: chr3-52406823-C-T. GRCh37 (hg19) VCF-style: chr3-52440839-C-T.
Identifiers: ClinVar variation 490876 (VCV000490876.8), dbSNP rs1423185138, ClinGen allele CA542899398.